The following is an entry in ClinVar:

ClinVar aggregate classification (germline): Uncertain significance (1 of 4 stars; one submission).

Conditions:
Hereditary cancer-predisposing syndrome. Also called: Neoplastic Syndromes, Hereditary; Tumor predisposition; Hereditary Cancer Syndrome; Hereditary neoplastic syndrome. Identifiers: Orphanet 140162, MedGen C0027672, MeSH D009386, MONDO:0015356.

Submission:

Ambry Genetics
Classification: Uncertain significance for Hereditary cancer-predisposing syndrome. Last evaluated: 2026-09-11. Review status: criteria provided, single submitter. Criteria: Ambry Variant Classification Scheme 2023. Collection method: clinical testing. Allele origin: germline.
Comment: The p.L740F variant (also known as c.2220G>T), located in coding exon 16 of the TSC1 gene, results from a G to T substitution at nucleotide position 2220. The leucine at codon 740 is replaced by phenylalanine, an amino acid with highly similar properties. This amino acid position is conserved. In addition, this alteration is predicted to be deleterious by in silico analysis. Based on the available evidence, the clinical significance of this variant remains unclear.

NM_000368.5(TSC1):c.2220G>T (p.Leu740Phe)

Gene: TSC1 (TSC complex subunit 1; minus strand). Cytogenetic location: 9q34.13.
Variant type: single nucleotide variant.
Coding change: c.2220G>T on transcript NM_000368.5 (MANE Select); coding-DNA position 2220, G replaced by T.
Protein change: p.Leu740Phe; replaces leucine 740 with phenylalanine.
Molecular consequence: missense variant. On other transcripts: non-coding transcript variant (5).
Genome position (GRCh38, 1-based): chr9:132,902,776, C>A on the plus strand (G>T on the coding strand, the complement: TSC1 is on the minus strand). VCF-style: chr9-132902776-C-A. GRCh37 (hg19) VCF-style: chr9-135778163-C-A.
Other names: c.2217G>T, p.Leu739Phe (NM_001406597.1, NM_001406598.1, NM_001406599.1 and 4 more transcripts); c.2205G>T, p.Leu735Phe (NM_001406601.1, NM_001406602.1); c.2202G>T, p.Leu734Phe (NM_001406603.1, NM_001406604.1); c.2220G>T, p.Leu740Phe (NM_001406605.1, NM_001406606.1, NM_001406592.1 and 5 more transcripts); c.1857G>T, p.Leu619Phe (NM_001406616.1, NM_001406617.1, NM_001406618.1 and 5 more transcripts); c.1854G>T, p.Leu618Phe (NM_001406620.1, NM_001406621.1, NM_001406622.1 and 2 more transcripts); c.1269G>T, p.Leu423Phe (NM_001406626.1); c.1266G>T, p.Leu422Phe (NM_001406627.1, NM_001406628.1); and 3 more; short protein forms L423F, L688F, L740F, L389F, L689F, L734F, L618F, L619F.
Identifiers: ClinVar variation 4554418 (VCV004554418.2).